The following is an entry in ClinVar:

NM_016222.4(DDX41):c.1703G>A (p.Cys568Tyr)

Gene: DDX41 (DEAD-box helicase 41; minus strand). Cytogenetic location: 5q35.3.
Variant type: single nucleotide variant.
Coding change: c.1703G>A on transcript NM_016222.4 (MANE Select); coding-DNA position 1703, G replaced by A.
Protein change: p.Cys568Tyr; replaces cysteine 568 with tyrosine.
Molecular consequence: missense variant.
Genome position (GRCh38, 1-based): chr5:177,512,125, C>T on the plus strand (G>A on the coding strand, the complement: DDX41 is on the minus strand). VCF-style: chr5-177512125-C-T. GRCh37 (hg19) VCF-style: chr5-176939126-C-T.
Other names: c.1325G>A, p.Cys442Tyr (NM_001321732.2, NM_001321830.2); short protein forms C568Y, C442Y.
Identifiers: ClinVar variation 4617186 (VCV004617186.1).

ClinVar aggregate classification (germline): Uncertain significance (1 of 4 stars; one submission).

Conditions:
Inborn genetic diseases. Identifiers: MedGen C0950123, MeSH D030342.

Submission:

Ambry Genetics
Classification: Uncertain significance for Inborn genetic diseases. Last evaluated: 2025-11-09. Review status: criteria provided, single submitter. Criteria: Ambry Variant Classification Scheme 2023. Collection method: clinical testing. Allele origin: germline.
Comment: The p.C568Y variant (also known as c.1703G>A), located in coding exon 16 of the DDX41 gene, results from a G to A substitution at nucleotide position 1703. The cysteine at codon 568 is replaced by tyrosine, an amino acid with highly dissimilar properties. This amino acid position is conserved. In addition, this alteration is predicted to be tolerated by in silico analysis. Based on the available evidence, the clinical significance of this variant remains unclear.